The following is an entry in ClinVar:

ClinVar aggregate classification (germline): Uncertain significance (1 of 4 stars; one submission).

Allele frequency attached by ClinVar (database versions not stated): ExAC 0.00001; TOPMed 0.00001; ESP Exome Variant Server 0.00008.

Submission:

Labcorp Genetics (formerly Invitae), Labcorp
Classification: Uncertain significance. Last evaluated: 2021-02-24. Review status: criteria provided, single submitter. Criteria: Invitae Variant Classification Sherloc (09022015). Collection method: clinical testing. Allele origin: germline.
Comment: This sequence change replaces lysine with asparagine at codon 241 of the TRPC6 protein (p.Lys241Asn). The lysine residue is highly conserved and there is a moderate physicochemical difference between lysine and asparagine. This variant is present in population databases (rs199854499, ExAC 0.01%). This variant has not been reported in the literature in individuals with TRPC6-related conditions. Algorithms developed to predict the effect of missense changes on protein structure and function are either unavailable or do not agree on the potential impact of this missense change (SIFT: "Deleterious"; PolyPhen-2: "Probably Damaging"; Align-GVGD: "Class C0"). In summary, the available evidence is currently insufficient to determine the role of this variant in disease. Therefore, it has been classified as a Variant of Uncertain Significance.

NM_004621.6(TRPC6):c.723G>C (p.Lys241Asn)

Gene: TRPC6 (transient receptor potential cation channel subfamily C member 6; minus strand). Cytogenetic location: 11q22.1.
Variant type: single nucleotide variant.
Coding change: c.723G>C on transcript NM_004621.6 (MANE Select); coding-DNA position 723, G replaced by C.
Protein change: p.Lys241Asn; replaces lysine 241 with asparagine.
Molecular consequence: missense variant.
Genome position (GRCh38, 1-based): chr11:101,504,246, C>G on the plus strand (G>C on the coding strand, the complement: TRPC6 is on the minus strand). VCF-style: chr11-101504246-C-G. GRCh37 (hg19) VCF-style: chr11-101374977-C-G.
Other names: short protein forms K241N.
Identifiers: ClinVar variation 1483818 (VCV001483818.8), dbSNP rs199854499, ClinGen allele CA6244475.